The following is an entry in ClinVar:

NM_032595.5(PPP1R9B):c.1402G>T (p.Asp468Tyr)

Gene: PPP1R9B (protein phosphatase 1 regulatory subunit 9B; minus strand). Cytogenetic location: 17q21.33.
Variant type: single nucleotide variant.
Coding change: c.1402G>T on transcript NM_032595.5 (MANE Select); coding-DNA position 1402, G replaced by T.
Protein change: p.Asp468Tyr; replaces aspartic acid 468 with tyrosine.
Molecular consequence: missense variant.
Genome position (GRCh38, 1-based): chr17:50,145,215, C>A on the plus strand (G>T on the coding strand, the complement: PPP1R9B is on the minus strand). VCF-style: chr17-50145215-C-A. GRCh37 (hg19) VCF-style: chr17-48222580-C-A.
Other names: short protein forms D468Y.
Identifiers: ClinVar variation 3349015 (VCV003349015.1).

ClinVar aggregate classification (germline): Uncertain significance (0 of 4 stars; one submission).

Conditions:
PPP1R9B-related disorder. Also called: PPP1R9B-related condition.

Submission:

PreventionGenetics, part of Exact Sciences
Classification: Uncertain significance for PPP1R9B-related condition. Last evaluated: 2024-03-13. Review status: no assertion criteria provided. Collection method: clinical testing. Allele origin: germline.
Comment: The PPP1R9B c.1402G>T variant is predicted to result in the amino acid substitution p.Val468Phe. To our knowledge, this variant has not been reported in the literature or in a large population database, indicating this variant is rare. At this time, the clinical significance of this variant is uncertain due to the absence of conclusive functional and genetic evidence.